The following is an entry in ClinVar:

NM_052947.4(ALPK2):c.6128G>C (p.Arg2043Thr)

Gene: ALPK2 (alpha kinase 2; minus strand). Cytogenetic location: 18q21.31.
Variant type: single nucleotide variant.
Coding change: c.6128G>C on transcript NM_052947.4 (MANE Select); coding-DNA position 6128, G replaced by C.
Protein change: p.Arg2043Thr; replaces arginine 2043 with threonine.
Molecular consequence: missense variant.
Genome position (GRCh38, 1-based): chr18:58,504,050, C>G on the plus strand (G>C on the coding strand, the complement: ALPK2 is on the minus strand). VCF-style: chr18-58504050-C-G. GRCh37 (hg19) VCF-style: chr18-56171282-C-G.
Other names: short protein forms R2043T.
Identifiers: ClinVar variation 3290418 (VCV003290418.1).

ClinVar aggregate classification (germline): Uncertain significance (1 of 4 stars; one submission).

Submission:

Ambry Genetics
Classification: Uncertain significance. Last evaluated: 2024-05-18. Review status: criteria provided, single submitter. Criteria: Ambry Variant Classification Scheme 2023. Collection method: clinical testing. Allele origin: germline.
Comment: The p.R2043T variant (also known as c.6128G>C), located in coding exon 10 of the ALPK2 gene, results from a G to C substitution at nucleotide position 6128. The arginine at codon 2043 is replaced by threonine, an amino acid with similar properties. This amino acid position is conserved. In addition, this alteration is predicted to be tolerated by in silico analysis. Based on the available evidence, the clinical significance of this variant remains unclear.